The following is an entry in ClinVar:

ClinVar aggregate classification (germline): Uncertain significance (1 of 4 stars; one submission).

Conditions:
Ehlers-Danlos syndrome, spondylodysplastic type, 2 (EDSSPD2). Also called: Ehlers-Danlos syndrome, progeroid type, 2. Identifiers: Orphanet 536467, Orphanet 75496, MedGen C3809210, MONDO:0014139, OMIM 615349.
Spondyloepimetaphyseal dysplasia with joint laxity (SEMDJL). Identifiers: MedGen C0432243, MONDO:0019675.

Submission:

Labcorp Genetics (formerly Invitae), Labcorp
Classification: Uncertain significance for Ehlers-Danlos syndrome, spondylodysplastic type, 2; Spondyloepimetaphyseal dysplasia with joint laxity. Last evaluated: 2022-10-05. Review status: criteria provided, single submitter. Criteria: Invitae Variant Classification Sherloc (09022015). Collection method: clinical testing. Allele origin: germline.
Comment: ClinVar contains an entry for this variant (Variation ID: 1464788). In summary, the available evidence is currently insufficient to determine the role of this variant in disease. Therefore, it has been classified as a Variant of Uncertain Significance. Advanced modeling of protein sequence and biophysical properties (such as structural, functional, and spatial information, amino acid conservation, physicochemical variation, residue mobility, and thermodynamic stability) performed at Invitae indicates that this missense variant is not expected to disrupt B3GALT6 protein function. This variant has not been reported in the literature in individuals affected with B3GALT6-related conditions. The frequency data for this variant in the population databases is considered unreliable, as metrics indicate insufficient coverage at this position in the gnomAD database. This sequence change replaces alanine, which is neutral and non-polar, with proline, which is neutral and non-polar, at codon 55 of the B3GALT6 protein (p.Ala55Pro).

NM_080605.4(B3GALT6):c.163G>C (p.Ala55Pro)

Gene: B3GALT6 (beta-1,3-galactosyltransferase 6; plus strand). Cytogenetic location: 1p36.33.
Variant type: single nucleotide variant.
Coding change: c.163G>C on transcript NM_080605.4 (MANE Select); coding-DNA position 163, G replaced by C.
Protein change: p.Ala55Pro; replaces alanine 55 with proline.
Molecular consequence: missense variant.
Genome position (GRCh38, 1-based): chr1:1,232,441, G>C. VCF-style: chr1-1232441-G-C. GRCh37 (hg19) VCF-style: chr1-1167821-G-C.
Other names: short protein forms A55P.
Identifiers: ClinVar variation 1464788 (VCV001464788.5), dbSNP rs950488335, ClinGen allele CA16755121.